The following is an entry in ClinVar:

NM_006767.4(LZTR1):c.1649T>A (p.Val550Glu)

Gene: LZTR1 (leucine zipper like post translational regulator 1; plus strand). Cytogenetic location: 22q11.21.
Variant type: single nucleotide variant.
Coding change: c.1649T>A on transcript NM_006767.4 (MANE Select); coding-DNA position 1649, T replaced by A.
Protein change: p.Val550Glu; replaces valine 550 with glutamic acid.
Molecular consequence: missense variant.
Genome position (GRCh38, 1-based): chr22:20,994,591, T>A. VCF-style: chr22-20994591-T-A. GRCh37 (hg19) VCF-style: chr22-21348880-T-A.
Other names: short protein forms V550E.
Identifiers: ClinVar variation 3662073 (VCV003662073.2).

ClinVar aggregate classification (germline): Uncertain significance (1 of 4 stars; one submission).

gnomAD v4.1: 1 of 1,612,196 alleles (0.000062%); highest among the groups gnomAD compares: East Asian, 0.0022%; no homozygotes.

Submission:

Labcorp Genetics (formerly Invitae), Labcorp
Classification: Uncertain significance. Last evaluated: 2024-08-12. Review status: criteria provided, single submitter. Criteria: Invitae Variant Classification Sherloc (09022015). Collection method: clinical testing. Allele origin: germline.
Comment: This sequence change replaces valine, which is neutral and non-polar, with glutamic acid, which is acidic and polar, at codon 550 of the LZTR1 protein (p.Val550Glu). This variant is not present in population databases (gnomAD no frequency). This variant has not been reported in the literature in individuals affected with LZTR1-related conditions. Advanced modeling of protein sequence and biophysical properties (such as structural, functional, and spatial information, amino acid conservation, physicochemical variation, residue mobility, and thermodynamic stability) performed at Invitae indicates that this missense variant is not expected to disrupt LZTR1 protein function with a negative predictive value of 80%. In summary, the available evidence is currently insufficient to determine the role of this variant in disease. Therefore, it has been classified as a Variant of Uncertain Significance.